The following is an entry in ClinVar:

ClinVar aggregate classification (germline): Uncertain significance (0 of 4 stars; one submission).

Conditions:
H19-related disorder. Also called: H19-related condition.

Submission:

PreventionGenetics, part of Exact Sciences
Classification: Uncertain significance for H19-related condition. Last evaluated: 2024-03-13. Review status: no assertion criteria provided. Collection method: clinical testing. Allele origin: germline.
Comment: The H19 n.-3180T>C is a noncoding alteration. To our knowledge, this variant has not been reported in the literature or in gnomAD, indicating this variant is rare. Only a few variants in the upstream regulatory region of H19 were reported in association with Silver-Russel syndrome and Beckwith-Wiedemann syndrome (see for example, Demars et al. 2010. PubMed ID: 20007505; Schönherr et al. 2008. PubMed ID: 19209620). At this time, the clinical significance of this variant is uncertain due to the absence of conclusive functional and genetic evidence.

NC_000011.10:g.2001055A>G

Genes: MRPL23 (mitochondrial ribosomal protein L23; plus strand), H19 (H19 imprinted maternally expressed transcript; minus strand), H19-ICR (H19/IGF2 imprinting control region; plus strand). Cytogenetic location: 11p15.5.
Variant type: single nucleotide variant.
Molecular consequence: intron variant (on NM_001400176.1).
Genome position: GRCh38 VCF-style: chr11-2001055-A-G. GRCh37 (hg19) VCF-style: chr11-2022285-A-G.
Other names: c.498-10486A>G (NM_001400176.1).
Identifiers: ClinVar variation 3032686 (VCV003032686.2), dbSNP rs911309684, ClinGen allele CA216220752.